The following is an entry in ClinVar:

ClinVar aggregate classification (germline): Pathogenic (1 of 4 stars; one submission).

Conditions:
Joubert syndrome and related disorders. Identifiers: Orphanet 140874, MedGen C5679612, MONDO:0015369.

Allele frequency attached by ClinVar (database versions not stated): TOPMed below 0.00001.

Submission:

Women's Health and Genetics/Laboratory Corporation of America, LabCorp
Classification: Pathogenic for Joubert syndrome and related disorders. Last evaluated: 2024-02-27. Review status: criteria provided, single submitter. Criteria: LabCorp Variant Classification Summary - May 2015. Collection method: clinical testing. Allele origin: germline.
Comment: Variant summary: TMEM231 c.697C>T (p.Gln233X) results in a premature termination codon, predicted to cause a truncation of the encoded protein or absence of the protein due to nonsense mediated decay, which are commonly known mechanisms for disease. The variant was absent in 248316 control chromosomes. To our knowledge, no occurrence of c.697C>T in individuals affected with Joubert Syndrome And Related Disorders and no experimental evidence demonstrating its impact on protein function have been reported. No submitters have cited clinical-significance assessments for this variant to ClinVar. Based on the evidence outlined above, the variant was classified as pathogenic.

NM_001077418.3(TMEM231):c.538C>T (p.Gln180Ter)

Gene: TMEM231 (transmembrane protein 231; minus strand). Cytogenetic location: 16q23.1.
Variant type: single nucleotide variant.
Coding change: c.538C>T on transcript NM_001077418.3 (MANE Select); coding-DNA position 538, C replaced by T.
Protein change: p.Gln180Ter; replaces glutamine 180 with a stop codon.
Molecular consequence: nonsense. On other transcripts: non-coding transcript variant (1).
Genome position (GRCh38, 1-based): chr16:75,545,396, G>A on the plus strand (C>T on the coding strand, the complement: TMEM231 is on the minus strand). VCF-style: chr16-75545396-G-A. GRCh37 (hg19) VCF-style: chr16-75579294-G-A.
Other names: c.697C>T, p.Gln233Ter (NM_001077416.2); short protein forms Q180*, Q233*.
Identifiers: ClinVar variation 3068925 (VCV003068925.2), dbSNP rs770748954, ClinGen allele CA396806682.